The following is an entry in ClinVar:

NM_000203.5(IDUA):c.809T>G (p.Ile270Ser)

Gene: IDUA (alpha-L-iduronidase; plus strand). Cytogenetic location: 4p16.3.
Variant type: single nucleotide variant.
Coding change: c.809T>G on transcript NM_000203.5 (MANE Select); coding-DNA position 809, T replaced by G.
Protein change: p.Ile270Ser; replaces isoleucine 270 with serine.
Molecular consequence: missense variant. On other transcripts: non-coding transcript variant (1).
Genome position (GRCh38, 1-based): chr4:1,001,998, T>G. VCF-style: chr4-1001998-T-G. GRCh37 (hg19) VCF-style: chr4-995786-T-G.
Other names: NM_001363576.1:c.413T>G; c.413T>G, p.Ile138Ser (NM_001363576.1); short protein forms I138S, I270S.
Identifiers: ClinVar variation 3906900 (VCV003906900.1).
Genomic context (GRCh38, chr4:1,001,998, plus strand): 5'-GGGCCGCGCTGACCCTGGTGGTGCTGAGGCGGCCCCGCCCGCAGGGTGCGCGCAGCTCCA[T>G]CTCCATCCTGGAGCAGGAGAAGGTCGTCGCGCAGCAGATCCGGCAGCTCTTCCCCAAGTT-3'
Protein context (NP_000194.2, residues 260-280): SLHRKGARSS[Ile270Ser]SILEQEKVVA

ClinVar aggregate classification (germline): Likely pathogenic (3 of 4 stars; one submission).

Conditions:
Mucopolysaccharidosis type 1. Also called: IDUA deficiency; MPS I. Identifiers: Orphanet 579, MedGen C0023786, MONDO:0001586.

Submission:

ClinGen Lysosomal Storage Disorder Variant Curation Expert Panel
Classification: Likely pathogenic for Mucopolysaccharidosis type 1. Last evaluated: 2024-12-06. Review status: reviewed by expert panel. Criteria: ClinGen LSD ACMG Specifications IDUA V1.0.0. Collection method: curation. Allele origin: germline. Inheritance: Autosomal recessive inheritance.
Comment: The NM_000203.5(IDUA):c.809T>G variant in IDUA is a missense variant predicted to cause substitution of isoleucine by serine at amino acid 270 (p.Ile270Ser). One patient with this variant and a "severe, Hurler" phenotype has been reported with documented IDUA deficiency within the affected range in leukocytes (PMID: 16435195) (PP4). This individual was compound heterozygous for the variant and another variant in IDUA that has been classified as likely pathogenic for MPS I by the ClinGen LD VCEP, c.1882C>T (p.Arg628Ter); the variants were confirmed to be in trans by parental testing (PMID: 16435195; PM3). This variant is absent in gnomAD v4.1.0. (PM2_Supporting). The computational predictor REVEL gives a score of 0.776 which is above the threshold of 0.773, evidence that correlates with impact to IDUA function at the moderate level based on the specifications of the ClinGen Lysosomal Diseases VCEP (PMID: 36413997; PP3_Moderate). In addition, SpliceAI suggests that the variant may impact splicing (acceptor loss = 0.2; note that the acceptor splice site for exon 7 is 17 bp upstream). In summary, this variant meets the criteria to be classified as likely pathogenic for MPS I based on the IDUA-specific ACMG/AMP criteria applied, as specified by the ClinGen Lysosomal Diseases Variant Curation Expert Panel (Specifications Version 1.0.0: PM3, PP3_Moderate, PP4, PM2_Supporting. (Classification approved by the ClinGen Lysosomal Diseases Variant Curation Expert Panel on 12/6/2024).